The following is an entry in ClinVar:

ClinVar aggregate classification (germline): Uncertain significance (1 of 4 stars; one submission).

Conditions:
Neurofibromatosis, type 1 (NF1). Also called: Peripheral type neurofibromatosis; VON RECKLINGHAUSEN DISEASE; Neurofibromatosis, type I; NEUROFIBROMATOSIS, TYPE I, SOMATIC. Identifiers: Orphanet 636, MedGen C0027831, MONDO:0018975, OMIM 162200. Disease mechanism: loss of function.

Submission:

Labcorp Genetics (formerly Invitae), Labcorp
Classification: Uncertain significance for Neurofibromatosis, type 1. Last evaluated: 2022-07-19. Review status: criteria provided, single submitter. Criteria: Invitae Variant Classification Sherloc (09022015). Collection method: clinical testing. Allele origin: germline.
Comment: This variant is not present in population databases (gnomAD no frequency). In summary, the available evidence is currently insufficient to determine the role of this variant in disease. Therefore, it has been classified as a Variant of Uncertain Significance. Algorithms developed to predict the effect of sequence changes on RNA splicing suggest that this variant may create or strengthen a splice site. Advanced modeling of protein sequence and biophysical properties (such as structural, functional, and spatial information, amino acid conservation, physicochemical variation, residue mobility, and thermodynamic stability) performed at Invitae indicates that this missense variant is not expected to disrupt NF1 protein function. ClinVar contains an entry for this variant (Variation ID: 843186). This variant has not been reported in the literature in individuals affected with NF1-related conditions. This sequence change replaces lysine, which is basic and polar, with arginine, which is basic and polar, at codon 469 of the NF1 protein (p.Lys469Arg).

NM_001042492.3(NF1):c.1406A>G (p.Lys469Arg)

Gene: NF1 (neurofibromin 1; plus strand). Cytogenetic location: 17q11.2.
Variant type: single nucleotide variant.
Coding change: c.1406A>G on transcript NM_001042492.3 (MANE Select); coding-DNA position 1406, A replaced by G.
Protein change: p.Lys469Arg; replaces lysine 469 with arginine.
Molecular consequence: missense variant.
Genome position (GRCh38, 1-based): chr17:31,214,464, A>G. VCF-style: chr17-31214464-A-G. GRCh37 (hg19) VCF-style: chr17-29541482-A-G.
Other names: c.1406A>G, p.Lys469Arg (NM_000267.4, NM_001128147.3); short protein forms K469R.
Identifiers: ClinVar variation 843186 (VCV000843186.6), dbSNP rs2066785596, ClinGen allele CA399001436.